The following is an entry in ClinVar:

ClinVar aggregate classification (germline): Uncertain significance. Review status: criteria provided, multiple submitters, no conflicts (2 of 4 stars). 3 submissions from 3 submitters: Uncertain significance (3). Last evaluated 2025-08-13.

Conditions:
Inborn genetic diseases. Identifiers: MedGen C0950123, MeSH D030342.
Nephronophthisis 16 (NPHP16). Identifiers: Orphanet 655, MedGen C3809320, MONDO:0014158, OMIM 615382.

Allele frequency attached by ClinVar (database versions not stated): 1000 Genomes Project 30x 0.00031; 1000 Genomes Project 0.00040.
gnomAD v4.1: 26 of 1,603,998 alleles (0.0016%); highest among the groups gnomAD compares: African/African-American, 0.024%; no homozygotes.

Submissions (3):

Ambry Genetics
Classification: Uncertain significance for Inborn genetic diseases. Last evaluated: 2025-08-13. Review status: criteria provided, single submitter. Criteria: Ambry Variant Classification Scheme 2023. Collection method: clinical testing. Allele origin: germline.

Fulgent Genetics
Classification: Uncertain significance for Nephronophthisis 16. Last evaluated: 2024-04-08. Review status: criteria provided, single submitter. Criteria: ACMG Guidelines, 2015. Collection method: clinical testing. Allele origin: germline.

Labcorp Genetics (formerly Invitae), Labcorp
Classification: Uncertain significance for Nephronophthisis 16. Last evaluated: 2023-11-27. Review status: criteria provided, single submitter. Criteria: Invitae Variant Classification Sherloc (09022015). Collection method: clinical testing. Allele origin: germline.
Comment: This sequence change replaces histidine, which is basic and polar, with asparagine, which is neutral and polar, at codon 128 of the ANKS6 protein (p.His128Asn). This variant is present in population databases (rs202068734, gnomAD 0.03%). This variant has not been reported in the literature in individuals affected with ANKS6-related conditions. ClinVar contains an entry for this variant (Variation ID: 2043083). An algorithm developed to predict the effect of missense changes on protein structure and function (PolyPhen-2) suggests that this variant is likely to be disruptive. In summary, the available evidence is currently insufficient to determine the role of this variant in disease. Therefore, it has been classified as a Variant of Uncertain Significance.

NM_173551.5(ANKS6):c.382C>A (p.His128Asn)

Gene: ANKS6 (ankyrin repeat and sterile alpha motif domain containing 6; minus strand). Cytogenetic location: 9q22.33.
Variant type: single nucleotide variant.
Coding change: c.382C>A on transcript NM_173551.5 (MANE Select); coding-DNA position 382, C replaced by A.
Protein change: p.His128Asn; replaces histidine 128 with asparagine.
Molecular consequence: missense variant.
Genome position (GRCh38, 1-based): chr9:98,790,584, G>T on the plus strand (C>A on the coding strand, the complement: ANKS6 is on the minus strand). VCF-style: chr9-98790584-G-T. GRCh37 (hg19) VCF-style: chr9-101552866-G-T.
Other names: c.382C>A (NM_173551.3); short protein forms H128N.
Identifiers: ClinVar variation 2043083 (VCV002043083.4), dbSNP rs202068734, ClinGen allele CA5153862.